The following is an entry in ClinVar:

ClinVar aggregate classification (germline): Uncertain significance (1 of 4 stars; one submission).

Conditions:
Inborn genetic diseases. Identifiers: MedGen C0950123, MeSH D030342.

Submission:

Ambry Genetics
Classification: Uncertain significance for Inborn genetic diseases. Last evaluated: 2016-12-27. Review status: criteria provided, single submitter. Criteria: Ambry Variant Classification Scheme 2023. Collection method: clinical testing. Allele origin: germline.
Comment: The p.M72I variant (also known as c.216G>A), located in coding exon 2 of the AP4B1 gene, results from a G to A substitution at nucleotide position 216. The methionine at codon 72 is replaced by isoleucine, an amino acid with highly similar properties. This amino acid position is well conserved in available vertebrate species. In addition, this alteration is predicted to be tolerated by in silico analysis. Since supporting evidence is limited at this time, the clinical significance of this alteration remains unclear.

NM_001253852.3(AP4B1):c.216G>A (p.Met72Ile)

Gene: AP4B1 (adaptor related protein complex 4 subunit beta 1; minus strand). Cytogenetic location: 1p13.2.
Variant type: single nucleotide variant.
Coding change: c.216G>A on transcript NM_001253852.3 (MANE Select); coding-DNA position 216, G replaced by A.
Protein change: p.Met72Ile; replaces methionine 72 with isoleucine.
Molecular consequence: missense variant. On other transcripts: intron variant (2).
Genome position (GRCh38, 1-based): chr1:113,902,760, C>T on the plus strand (G>A on the coding strand, the complement: AP4B1 is on the minus strand). VCF-style: chr1-113902760-C-T. GRCh37 (hg19) VCF-style: chr1-114445382-C-T.
Other names: c.216G>A, p.Met72Ile (NM_006594.5); c.-56-26G>A (NM_001253853.3); c.113+1845G>A (NM_001308312.2); short protein forms M72I.
Identifiers: ClinVar variation 589490 (VCV000589490.5), dbSNP rs1558095932, ClinGen allele CA341691539.